The following is an entry in ClinVar:

ClinVar aggregate classification (germline): Uncertain significance. Review status: criteria provided, multiple submitters, no conflicts (2 of 4 stars). 2 submissions from 2 submitters: Uncertain significance (2). Last evaluated 2024-09-08.

Conditions:
Short-rib thoracic dysplasia 11 with or without polydactyly (SRTD11). Also called: SHORT-RIB THORACIC DYSPLASIA 11 WITHOUT POLYDACTYLY. Identifiers: Orphanet 474, Orphanet 93271, MedGen C3810200, MONDO:0014287, OMIM 615633.
Inborn genetic diseases. Identifiers: MedGen C0950123, MeSH D030342.

gnomAD v4.1: 9 of 1,610,658 alleles (0.00056%); highest among the groups gnomAD compares: African/African-American, 0.0027%; no homozygotes.

Submissions (2):

Ambry Genetics
Classification: Uncertain significance for Inborn genetic diseases. Last evaluated: 2024-09-08. Review status: criteria provided, single submitter. Criteria: Ambry Variant Classification Scheme 2023. Collection method: clinical testing. Allele origin: germline.

Labcorp Genetics (formerly Invitae), Labcorp
Classification: Uncertain significance for Short-rib thoracic dysplasia 11 with or without polydactyly. Last evaluated: 2022-06-04. Review status: criteria provided, single submitter. Criteria: Invitae Variant Classification Sherloc (09022015). Collection method: clinical testing. Allele origin: germline.
Comment: This sequence change replaces arginine, which is basic and polar, with glutamine, which is neutral and polar, at codon 373 of the WDR34 protein (p.Arg373Gln). The frequency data for this variant in the population databases is considered unreliable, as metrics indicate poor data quality at this position in the gnomAD database. This variant has not been reported in the literature in individuals affected with WDR34-related conditions. Algorithms developed to predict the effect of missense changes on protein structure and function are either unavailable or do not agree on the potential impact of this missense change (SIFT: "Deleterious"; PolyPhen-2: "Benign"; Align-GVGD: "Class C0"). In summary, the available evidence is currently insufficient to determine the role of this variant in disease. Therefore, it has been classified as a Variant of Uncertain Significance.

NM_052844.4(DYNC2I2):c.1118G>A (p.Arg373Gln)

Genes: DYNC2I2 (dynein 2 intermediate chain 2; minus strand), LOC126860772 (CDK7 strongly-dependent group 2 enhancer GRCh37_chr9:131396972-131398171; plus strand). Cytogenetic location: 9q34.11.
Variant type: single nucleotide variant.
Coding change: c.1118G>A on transcript NM_052844.4 (MANE Select); coding-DNA position 1118, G replaced by A.
Protein change: p.Arg373Gln; replaces arginine 373 with glutamine.
Molecular consequence: missense variant.
Genome position (GRCh38, 1-based): chr9:128,634,785, C>T on the plus strand (G>A on the coding strand, the complement: DYNC2I2 is on the minus strand). VCF-style: chr9-128634785-C-T. GRCh37 (hg19) VCF-style: chr9-131397064-C-T.
Other names: c.1118G>A (NM_052844.3); short protein forms R373Q.
Identifiers: ClinVar variation 2152142 (VCV002152142.2), dbSNP rs201326058, ClinGen allele CA5266337.